The following is an entry in ClinVar:

NM_198904.4(GABRG2):c.874G>T (p.Val292Leu)

Gene: GABRG2 (gamma-aminobutyric acid type A receptor subunit gamma2; plus strand). Cytogenetic location: 5q34.
Variant type: single nucleotide variant.
Coding change: c.874G>T on transcript NM_198904.4 (MANE Select); coding-DNA position 874, G replaced by T.
Protein change: p.Val292Leu; replaces valine 292 with leucine.
Molecular consequence: missense variant.
Genome position (GRCh38, 1-based): chr5:162,142,268, G>T. VCF-style: chr5-162142268-G-T. GRCh37 (hg19) VCF-style: chr5-161569274-G-T.
Other names: c.874G>T, p.Val292Leu (NM_000816.3, NM_001375340.1); c.865G>T, p.Val289Leu (NM_001375339.1); c.871G>T, p.Val291Leu (NM_001375341.1, NM_001375342.1); c.994G>T, p.Val332Leu (NM_001375343.1, NM_198903.2); c.913G>T, p.Val305Leu (NM_001375344.1); c.808G>T, p.Val270Leu (NM_001375345.1, NM_001375346.1); c.787G>T, p.Val263Leu (NM_001375347.1); c.454G>T, p.Val152Leu (NM_001375348.1, NM_001375350.1); and 1 more; short protein forms V152L, V197L, V263L, V270L, V289L, V291L, V292L, V305L.
Identifiers: ClinVar variation 1720917 (VCV001720917.6), dbSNP rs2532726396, ClinGen allele CA362182174.

ClinVar aggregate classification (germline): Uncertain significance (1 of 4 stars; one submission).

Conditions:
EPILEPSY, CHILDHOOD ABSENCE, SUSCEPTIBILITY TO, 2 (ECA2). Identifiers: Orphanet 64280, MedGen C1843244, OMIM 607681.
Febrile seizures, familial, 8 (FEB8). Also called: CONVULSIONS, FAMILIAL FEBRILE, 8. Identifiers: Orphanet 36387, MedGen C1969810, MONDO:0011891, OMIM 607681.

Submission:

Labcorp Genetics (formerly Invitae), Labcorp
Classification: Uncertain significance for Febrile seizures, familial, 8; EPILEPSY, CHILDHOOD ABSENCE, SUSCEPTIBILITY TO, 2. Last evaluated: 2022-10-03. Review status: criteria provided, single submitter. Criteria: Invitae Variant Classification Sherloc (09022015). Collection method: clinical testing. Allele origin: germline.
Comment: In summary, the available evidence is currently insufficient to determine the role of this variant in disease. Therefore, it has been classified as a Variant of Uncertain Significance. Advanced modeling of protein sequence and biophysical properties (such as structural, functional, and spatial information, amino acid conservation, physicochemical variation, residue mobility, and thermodynamic stability) performed at Invitae indicates that this missense variant is expected to disrupt GABRG2 protein function. This variant has not been reported in the literature in individuals affected with GABRG2-related conditions. This variant is not present in population databases (gnomAD no frequency). This sequence change replaces valine, which is neutral and non-polar, with leucine, which is neutral and non-polar, at codon 292 of the GABRG2 protein (p.Val292Leu).